The following is an entry in ClinVar:

ClinVar aggregate classification (germline): Uncertain significance. Review status: criteria provided, multiple submitters, no conflicts (2 of 4 stars). 2 submissions from 2 submitters: Uncertain significance (2). Last evaluated 2025-02-07.

Conditions:
Neuropathy, hereditary sensory and autonomic, type 2A (HSAN2A). Also called: ACROOSTEOLYSIS, GIACCAI TYPE; ACROOSTEOLYSIS, NEUROGENIC; MORVAN DISEASE; NEUROPATHY, CONGENITAL SENSORY; NEUROPATHY, HEREDITARY SENSORY RADICULAR, AUTOSOMAL RECESSIVE; NEUROPATHY, HEREDITARY SENSORY, TYPE IIA. Identifiers: Orphanet 970, MedGen C2752089, MONDO:0024309, OMIM 201300.
Generalized epilepsy with febrile seizures plus, type 7 (GEFSP7). Also called: GEFS+, TYPE 7. Identifiers: Orphanet 36387, MedGen C2751778, MONDO:0013470, OMIM 613863.
Inborn genetic diseases. Identifiers: MedGen C0950123, MeSH D030342.

Allele frequency attached by ClinVar (database versions not stated): ExAC 0.00001; gnomAD 0.00001; gnomAD exomes 0.00001 and 0.00004; TOPMed 0.00001; ESP Exome Variant Server 0.00008.
gnomAD v4.1: 54 of 1,613,306 alleles (0.0033%); highest among the groups gnomAD compares: Non-Finnish European, 0.0045%; no homozygotes.

Submissions (2):

Ambry Genetics
Classification: Uncertain significance for Inborn genetic diseases. Last evaluated: 2025-02-07. Review status: criteria provided, single submitter. Criteria: Ambry Variant Classification Scheme 2023. Collection method: clinical testing. Allele origin: germline.

Labcorp Genetics (formerly Invitae), Labcorp
Classification: Uncertain significance for Neuropathy, hereditary sensory and autonomic, type 2A; Generalized epilepsy with febrile seizures plus, type 7. Last evaluated: 2024-09-04. Review status: criteria provided, single submitter. Criteria: Invitae Variant Classification Sherloc (09022015). Collection method: clinical testing. Allele origin: germline.
Comment: This sequence change replaces leucine, which is neutral and non-polar, with serine, which is neutral and polar, at codon 1059 of the SCN9A protein (p.Leu1059Ser). This variant is present in population databases (rs199583108, gnomAD 0.002%). This variant has not been reported in the literature in individuals affected with SCN9A-related conditions. ClinVar contains an entry for this variant (Variation ID: 566344). Invitae Evidence Modeling of protein sequence and biophysical properties (such as structural, functional, and spatial information, amino acid conservation, physicochemical variation, residue mobility, and thermodynamic stability) indicates that this missense variant is not expected to disrupt SCN9A protein function with a negative predictive value of 95%. In summary, the available evidence is currently insufficient to determine the role of this variant in disease. Therefore, it has been classified as a Variant of Uncertain Significance.

NM_001365536.1(SCN9A):c.3209T>C (p.Leu1070Ser)

Genes: SCN1A-AS1 (SCN1A and SCN9A antisense RNA 1; plus strand), SCN9A (sodium voltage-gated channel alpha subunit 9; minus strand). Cytogenetic location: 2q24.3.
Variant type: single nucleotide variant.
Coding change: c.3209T>C on transcript NM_001365536.1 (MANE Select); coding-DNA position 3209, T replaced by C.
Protein change: p.Leu1070Ser; replaces leucine 1070 with serine.
Molecular consequence: missense variant.
Genome position (GRCh38, 1-based): chr2:166,272,541, A>G on the plus strand (T>C on the coding strand, the complement: SCN9A is on the minus strand). VCF-style: chr2-166272541-A-G. GRCh37 (hg19) VCF-style: chr2-167129051-A-G.
Other names: c.3176T>C, p.Leu1059Ser (NM_002977.4); short protein forms L1059S, L1070S.
Identifiers: ClinVar variation 566344 (VCV000566344.12), dbSNP rs199583108, ClinGen allele CA1944124.
Genomic context (GRCh38, chr2:166,272,541, plus strand): 5'-GGCACTGTCACTGTGAGGCTGGGATTGTGAATAAATGATTGACCATCACTGTCTTCCATC[A>G]AGTGTTTGTCCACGCTGCTTCCAAAACCACTGATTTTATCTTTTTCCTTGAGGAAATTGT-3'
Protein context (NP_001352465.1, residues 1060-1080): SGFGSSVDKH[Leu1070Ser]MEDSDGQSFI